The following is an entry in ClinVar:

NM_004606.5(TAF1):c.1105C>G (p.Leu369Val)

Gene: TAF1 (TATA-box binding protein associated factor 1; plus strand). Cytogenetic location: Xq13.1.
Variant type: single nucleotide variant.
Coding change: c.1105C>G on transcript NM_004606.5 (MANE Select); coding-DNA position 1105, C replaced by G.
Protein change: p.Leu369Val; replaces leucine 369 with valine.
Molecular consequence: missense variant. On other transcripts: non-coding transcript variant (9).
Genome position (GRCh38, 1-based): chrX:71,378,406, C>G. VCF-style: chrX-71378406-C-G. GRCh37 (hg19) VCF-style: chrX-70598256-C-G.
Other names: c.1105C>G, p.Leu369Val (NM_001286074.2); c.1042C>G, p.Leu348Val (NM_138923.4); short protein forms L348V, L369V.
Identifiers: ClinVar variation 3702838 (VCV003702838.2).

ClinVar aggregate classification (germline): Uncertain significance (1 of 4 stars; one submission).

Submission:

Labcorp Genetics (formerly Invitae), Labcorp
Classification: Uncertain significance. Last evaluated: 2025-04-11. Review status: criteria provided, single submitter. Criteria: Invitae Variant Classification Sherloc (09022015). Collection method: clinical testing. Allele origin: germline.
Comment: This sequence change replaces leucine, which is neutral and non-polar, with valine, which is neutral and non-polar, at codon 389 of the TAF1 protein (p.Leu389Val). This variant is not present in population databases (gnomAD no frequency). This variant has not been reported in the literature in individuals affected with TAF1-related conditions. ClinVar contains an entry for this variant (Variation ID: 3702838). Invitae Evidence Modeling of protein sequence and biophysical properties (such as structural, functional, and spatial information, amino acid conservation, physicochemical variation, residue mobility, and thermodynamic stability) indicates that this missense variant is not expected to disrupt TAF1 protein function with a negative predictive value of 80%. In summary, the available evidence is currently insufficient to determine the role of this variant in disease. Therefore, it has been classified as a Variant of Uncertain Significance.